The following is an entry in ClinVar:

NM_020433.5(JPH2):c.*14+124C>T

Gene: JPH2 (junctophilin 2; minus strand). Cytogenetic location: 20q13.12.
Variant type: single nucleotide variant.
Coding change: c.*14+124C>T on transcript NM_020433.5 (MANE Select); 124 bases into the intron after 14 bases downstream of the stop codon, C replaced by T.
Molecular consequence: intron variant.
Genome position (GRCh38, 1-based): chr20:44,114,658, G>A on the plus strand (C>T on the coding strand, the complement: JPH2 is on the minus strand). VCF-style: chr20-44114658-G-A. GRCh37 (hg19) VCF-style: chr20-42743298-G-A.
Identifiers: ClinVar variation 675764 (VCV000675764.1), dbSNP rs115154926, ClinGen allele CA314641950.

ClinVar aggregate classification (germline): Likely benign (1 of 4 stars; one submission).

Allele frequency attached by ClinVar (database versions not stated): gnomAD exomes 0.00070; gnomAD 0.00498 and 0.00527; TOPMed 0.00584; 1000 Genomes Project 0.00659; 1000 Genomes Project 30x 0.00703.
gnomAD v4.1: 1,139 of 679,824 alleles (0.17%); highest among the groups gnomAD compares: African/African-American, 1.8%; 11 homozygotes.

Submission:

GeneDx
Classification: Likely benign. Last evaluated: 2018-06-18. Review status: criteria provided, single submitter. Criteria: GeneDx Variant Classification (06012015). Collection method: clinical testing. Allele origin: germline. Affected: yes.
Comment: This variant is considered likely benign or benign based on one or more of the following criteria: it is a conservative change, it occurs at a poorly conserved position in the protein, it is predicted to be benign by multiple in silico algorithms, and/or has population frequency not consistent with disease.